The following is an entry in ClinVar:

ClinVar aggregate classification (germline): Uncertain significance (1 of 4 stars; one submission).

Allele frequency attached by ClinVar (database versions not stated): ExAC 0.00002; gnomAD exomes 0.00002; gnomAD 0.00004 and 0.00005; TOPMed 0.00007; ESP Exome Variant Server 0.00008.
gnomAD v4.1: 37 of 1,613,942 alleles (0.0023%); highest among the groups gnomAD compares: African/African-American, 0.012%; no homozygotes.

Submission:

Labcorp Genetics (formerly Invitae), Labcorp
Classification: Uncertain significance. Last evaluated: 2026-01-11. Review status: criteria provided, single submitter. Criteria: Invitae Variant Classification Sherloc (09022015). Collection method: clinical testing. Allele origin: germline.
Comment: This sequence change replaces alanine, which is neutral and non-polar, with valine, which is neutral and non-polar, at codon 718 of the CDH2 protein (p.Ala718Val). This variant is present in population databases (rs140836073, gnomAD 0.007%). This missense change has been observed in individual(s) with CDH2-related conditions (PMID: 35734438). This variant is also known as c.C2060T p.A687V. ClinVar contains an entry for this variant (Variation ID: 1426751). An algorithm developed to predict the effect of missense changes on protein structure and function (PolyPhen-2) suggests that this variant is likely to be tolerated. In summary, the available evidence is currently insufficient to determine the role of this variant in disease. Therefore, it has been classified as a Variant of Uncertain Significance.

Literature cited by the submitters: PubMed 35734438.

NM_001792.5(CDH2):c.2153C>T (p.Ala718Val)

Gene: CDH2 (cadherin 2; minus strand). Cytogenetic location: 18q12.1.
Variant type: single nucleotide variant.
Coding change: c.2153C>T on transcript NM_001792.5 (MANE Select); coding-DNA position 2153, C replaced by T.
Protein change: p.Ala718Val; replaces alanine 718 with valine.
Molecular consequence: missense variant.
Genome position (GRCh38, 1-based): chr18:27,985,056, G>A on the plus strand (C>T on the coding strand, the complement: CDH2 is on the minus strand). VCF-style: chr18-27985056-G-A. GRCh37 (hg19) VCF-style: chr18-25565020-G-A.
Other names: c.2060C>T, p.Ala687Val (NM_001308176.2); short protein forms A687V, A718V.
Identifiers: ClinVar variation 1426751 (VCV001426751.9), dbSNP rs140836073, ClinGen allele CA8923228.